The following is an entry in ClinVar:

NM_001609.4(ACADSB):c.452G>A (p.Arg151Lys)

Gene: ACADSB (acyl-CoA dehydrogenase short/branched chain; plus strand). Cytogenetic location: 10q26.13.
Variant type: single nucleotide variant.
Coding change: c.452G>A on transcript NM_001609.4 (MANE Select); coding-DNA position 452, G replaced by A.
Protein change: p.Arg151Lys; replaces arginine 151 with lysine.
Molecular consequence: missense variant.
Genome position (GRCh38, 1-based): chr10:123,040,614, G>A. VCF-style: chr10-123040614-G-A. GRCh37 (hg19) VCF-style: chr10-124800130-G-A.
Other names: c.146G>A, p.Arg49Lys (NM_001330174.3); short protein forms R49K, R151K.
Identifiers: ClinVar variation 702592 (VCV000702592.11), dbSNP rs140747102, ClinGen allele CA5730710.

ClinVar aggregate classification (germline): Conflicting classifications of pathogenicity. Review status: criteria provided, conflicting classifications (1 of 4 stars). 2 submissions from 2 submitters: Uncertain significance (1); Likely benign (1). Last evaluated 2026-01-11.

Conditions:
Deficiency of 2-methylbutyryl-CoA dehydrogenase (ACADSB). Also called: 2-methylbutyryl-CoA dehydrogenase deficiency; SBCAD deficiency; 2-methylbutyric aciduria; Short branched-chain acyl-CoA dehydrogenase deficiency; 2-methylbutyrylglycinuria. Identifiers: Orphanet 79157, MedGen C1864912, MONDO:0012392, OMIM 610006, HP:0020147.

Allele frequency attached by ClinVar (database versions not stated): gnomAD exomes 0.00010 and 0.00024; ExAC 0.00032; 1000 Genomes Project 0.00060; ESP Exome Variant Server 0.00077; 1000 Genomes Project 30x 0.00094; gnomAD 0.00096 and 0.00104; TOPMed 0.00112.
gnomAD v4.1: 301 of 1,614,054 alleles (0.019%); highest among the groups gnomAD compares: African/African-American, 0.31%; 2 homozygotes.

Submissions (2):

Labcorp Genetics (formerly Invitae), Labcorp
Classification: Likely benign for Deficiency of 2-methylbutyryl-CoA dehydrogenase. Last evaluated: 2026-01-11. Review status: criteria provided, single submitter. Criteria: Invitae Variant Classification Sherloc (09022015). Collection method: clinical testing. Allele origin: germline.

GeneDx
Classification: Uncertain significance. Last evaluated: 2023-04-27. Review status: criteria provided, single submitter. Criteria: GeneDx Variant Classification Process June 2021. Collection method: clinical testing. Allele origin: germline. Affected: yes.
Comment: In silico analysis supports that this missense variant does not alter protein structure/function; Has not been previously published as pathogenic or benign to our knowledge